The following is an entry in ClinVar:

ClinVar aggregate classification (germline): Uncertain significance (1 of 4 stars; one submission).

Conditions:
Emery-Dreifuss muscular dystrophy 5, autosomal dominant (EDMD5). Also called: EMERY-DREIFUSS MUSCULAR DYSTROPHY 5. Identifiers: Orphanet 261, MedGen C2751805, MONDO:0013072, OMIM 612999.

Submission:

Labcorp Genetics (formerly Invitae), Labcorp
Classification: Uncertain significance for Emery-Dreifuss muscular dystrophy 5, autosomal dominant. Last evaluated: 2025-10-14. Review status: criteria provided, single submitter. Criteria: Invitae Variant Classification Sherloc (09022015). Collection method: clinical testing. Allele origin: germline.
Comment: This variant, c.20640_20642del, results in the deletion of 1 amino acid(s) of the SYNE2 protein (p.Glu6880del), but otherwise preserves the integrity of the reading frame. This variant is present in population databases (rs781275793, gnomAD 0.02%). This variant has not been reported in the literature in individuals affected with SYNE2-related conditions. ClinVar contains an entry for this variant (Variation ID: 661899). Experimental studies and prediction algorithms are not available or were not evaluated, and the functional significance of this variant is currently unknown. In summary, the available evidence is currently insufficient to determine the role of this variant in disease. Therefore, it has been classified as a Variant of Uncertain Significance.

NM_182914.3(SYNE2):c.20637AGA[1] (p.Glu6880del)

Gene: SYNE2 (spectrin repeat containing nuclear envelope protein 2; plus strand). Cytogenetic location: 14q23.2.
Variant type: Microsatellite.
Coding change: c.20637AGA[1] on transcript NM_182914.3 (MANE Select); one copy of the 3-base unit AGA starting at c.20637; the reference has two copies in a row; one copy, 3 bases deleted.
Protein change: p.Glu6880del; deletes glutamic acid 6880.
Molecular consequence: inframe deletion.
Genome position (GRCh38, 1-based): chr14:64,225,442-64,225,444, AGA deleted; deleting any 3 consecutive bases within chr14:64,225,437-64,225,444 gives the same sequence; the position shown is the placement nearest the transcript's 3' end. VCF-style (leftmost placement, unchanged base first): chr14-64225436-CGAA-C. GRCh37 (hg19) VCF-style: chr14-64692154-CGAA-C.
Other names: c.20640_20642delAGA (NM_182914.2); c.20571AGA[1], p.Glu6858del (NM_015180.6); c.1203AGA[1], p.Glu402del (NM_182910.2); c.1584AGA[1], p.Glu529del (NM_182913.4); short protein forms E402del, E529del, E6858del, E6880del.
Identifiers: ClinVar variation 661899 (VCV000661899.8), dbSNP rs781275793, ClinGen allele CA7224979.